The following is an entry in ClinVar:

ClinVar aggregate classification (germline): Uncertain significance (1 of 4 stars; one submission).

Allele frequency attached by ClinVar (database versions not stated): gnomAD exomes 0.00001; TOPMed 0.00001.
gnomAD v4.1: 21 of 1,613,878 alleles (0.0013%); highest among the groups gnomAD compares: Non-Finnish European, 0.0018%; no homozygotes.

Submission:

Labcorp Genetics (formerly Invitae), Labcorp
Classification: Uncertain significance. Last evaluated: 2025-04-29. Review status: criteria provided, single submitter. Criteria: Invitae Variant Classification Sherloc (09022015). Collection method: clinical testing. Allele origin: germline.
Comment: This sequence change replaces threonine, which is neutral and polar, with asparagine, which is neutral and polar, at codon 78 of the RELA protein (p.Thr78Asn). This variant is present in population databases (no rsID available, gnomAD 0.002%). This variant has not been reported in the literature in individuals affected with RELA-related conditions. ClinVar contains an entry for this variant (Variation ID: 2083837). An algorithm developed to predict the effect of missense changes on protein structure and function (PolyPhen-2) suggests that this variant is likely to be disruptive. In summary, the available evidence is currently insufficient to determine the role of this variant in disease. Therefore, it has been classified as a Variant of Uncertain Significance.

NM_021975.4(RELA):c.233C>A (p.Thr78Asn)

Gene: RELA (RELA proto-oncogene, NF-kB subunit; minus strand). Cytogenetic location: 11q13.1.
Variant type: single nucleotide variant.
Coding change: c.233C>A on transcript NM_021975.4 (MANE Select); coding-DNA position 233, C replaced by A.
Protein change: p.Thr78Asn; replaces threonine 78 with asparagine.
Molecular consequence: missense variant.
Genome position (GRCh38, 1-based): chr11:65,661,789, G>T on the plus strand (C>A on the coding strand, the complement: RELA is on the minus strand). VCF-style: chr11-65661789-G-T. GRCh37 (hg19) VCF-style: chr11-65429260-G-T.
Other names: c.233C>A, p.Thr78Asn (NM_001145138.2, NM_001243984.2, NM_001243985.2 and 2 more transcripts); c.266C>A, p.Thr89Asn (NM_001404657.1); c.206C>A, p.Thr69Asn (NM_001404658.1); c.-57C>A (NM_001404661.1); c.140C>A, p.Thr47Asn (NM_001404662.1, NM_001404663.1); short protein forms T47N, T78N, T69N, T89N.
Identifiers: ClinVar variation 2083837 (VCV002083837.4), dbSNP rs1178830994, ClinGen allele CA381394487.